The following is an entry in ClinVar:

NM_177438.3(DICER1):c.4178_4180dup (p.Asn1393dup)

Gene: DICER1 (dicer 1, ribonuclease III; minus strand). Cytogenetic location: 14q32.13.
Variant type: Duplication.
Coding change: c.4178_4180dup on transcript NM_177438.3 (MANE Select); coding-DNA positions 4178 to 4180, 3 bases duplicated (ACA; older notation c.4178_4180dupACA).
Protein change: p.Asn1393dup; duplicates asparagine 1393.
Molecular consequence: inframe insertion.
Genome position (GRCh38, 1-based): chr14:95,099,806-95,099,808, TGT duplicated on the plus strand (ACA on the coding strand, the reverse complement: DICER1 is on the minus strand); duplicating any 3 consecutive bases within chr14:95,099,806-95,099,810 gives the same sequence; the c. name uses the placement nearest the transcript's 3' end. VCF-style (leftmost placement, unchanged base first): chr14-95099805-G-GTGT. GRCh37 (hg19) VCF-style: chr14-95566142-G-GTGT.
Other names: NM_030621.4(DICER1):c.4178_4180dup; p.Asn1393dup; c.4178_4180dupACA (NM_030621.4, NM_177438.2); c.4178_4180dup, p.Asn1393dup (NM_001195573.1, NM_001271282.3, NM_001291628.2 and 1 more transcripts).
Identifiers: ClinVar variation 242100 (VCV000242100.27), dbSNP rs878855263, ClinGen allele CA10583198.

ClinVar aggregate classification (germline): Likely benign. Review status: reviewed by expert panel (3 of 4 stars). 7 submissions from 7 submitters: Likely benign (1). 6 of the submissions do not count toward it. Last evaluated 2024-08-27.

Conditions:
Global developmental delay - lung cysts - overgrowth - Wilms tumor syndrome. Also called: GLOW Syndrome; GLOBAL DEVELOPMENTAL DELAY, LUNG CYSTS, OVERGROWTH, AND WILMS TUMOR. Identifiers: Orphanet 404476, MedGen C4748924, MONDO:0018445, OMIM 618272.
DICER1-related disorder. Also called: DICER1-related condition.
DICER1-related tumor predisposition. Also called: DICER1 syndrome; DICER1-related pleuropulmonary blastoma cancer predisposition syndrome. Identifiers: Orphanet 284343, MedGen C3839822, MONDO:0100216.
Hereditary cancer-predisposing syndrome. Also called: Neoplastic Syndromes, Hereditary; Hereditary neoplastic syndrome; Hereditary Cancer Syndrome; Tumor predisposition. Identifiers: Orphanet 140162, MedGen C0027672, MeSH D009386, MONDO:0015356.

Submissions (7):

ClinGen DICER1 and miRNA-Processing Gene Variant Curation Expert Panel, ClinGen
Classification: Likely benign for DICER1-related tumor predisposition. Last evaluated: 2024-08-27. Review status: reviewed by expert panel. Criteria: ClinGen DICER1 ACMG Specifications DICER1 V1.3.0. Collection method: curation. Allele origin: germline. Inheritance: Autosomal dominant inheritance.
Comment: The NM_177438.2:c.4178_4180dup variant is predicted to cause a change in the length of the protein (p.Asn1393dup) due to an in-frame insertion of 1 amino acid in a non-repeat region outside of the RNase IIIb domain (p.D606-p.D609; p.E1418-p.E1420; p.E1422-p.E1425) (PM4_Supporting). This variant has been seen in 40 or more unrelated females without tumors through age 50 in at least one testing laboratory (BS2; Internal lab contributors). The highest population minor allele frequency in gnomAD v4.1.0 is 0.00004417 (3/67924 alleles) in European (non-Finnish) population (PM2_Supporting, BS1, and BA1 are not met). In summary, this variant meets the criteria to be classified as Likely Benign for DICER1-related tumor predisposition based on the ACMG/AMP criteria applied, as specified by the ClinGen DICER1 VCEP: PM4_Supporting, BS2. (Bayesian Points: -3; VCEP specifications version 1.3.0; 08/27/2024)

PreventionGenetics, part of Exact Sciences
Classification: Likely benign for DICER1-related condition. Last evaluated: 2026-07-07. Review status: criteria provided, single submitter. Criteria: ACMG Guidelines, 2015. Collection method: clinical testing. Allele origin: germline. Not counted in ClinVar's aggregate classification.
Comment: This variant is classified as likely benign based on ACMG/AMP sequence variant interpretation guidelines (Richards et al. 2015 PMID: 25741868, with internal and published modifications).

Labcorp Genetics (formerly Invitae), Labcorp
Classification: Likely benign for DICER1-related tumor predisposition. Last evaluated: 2025-11-09. Review status: criteria provided, single submitter. Criteria: Invitae Variant Classification Sherloc (09022015). Collection method: clinical testing. Allele origin: germline. Not counted in ClinVar's aggregate classification.

Ambry Genetics
Classification: Benign for Hereditary cancer-predisposing syndrome. Last evaluated: 2025-03-11. Review status: criteria provided, single submitter. Criteria: Ambry Variant Classification Scheme 2023. Collection method: clinical testing. Allele origin: germline. Not counted in ClinVar's aggregate classification.

Quest Diagnostics Nichols Institute San Juan Capistrano
Classification: Uncertain significance. Last evaluated: 2024-10-30. Review status: criteria provided, single submitter. Criteria: Quest Diagnostics criteria. Collection method: clinical testing. Allele origin: unknown. Not counted in ClinVar's aggregate classification.
Comment: The DICER1 c.4178_4180dup (p.Asn1393dup) variant, also known as p.Asn1393_Thr1394insAsn, has been reported in the published literature in an individual with early onset thyroid carcinoma (PMID: 33630087 (2021)) and an individual with cutaneous melanoma (PMID: 39001563 (2021)). The frequency of this variant in the general population, 0.000044 (3/67924 chromosomes (Genome Aggregation Database)), is uninformative in the assessment of its pathogenicity. Based on the available information, we are unable to determine the clinical significance of this variant.

GeneDx
Classification: Uncertain significance. Last evaluated: 2024-06-20. Review status: criteria provided, single submitter. Criteria: GeneDx Variant Classification Process June 2021. Collection method: clinical testing. Allele origin: germline. Affected: yes. Not counted in ClinVar's aggregate classification.
Comment: Not observed at significant frequency in large population cohorts (gnomAD); In-frame duplication of 1 amino acid in a non-repeat region; Observed in an individual with follicular thyroid cancer (PMID: 33630087); This variant is associated with the following publications: (PMID: 38084291, 33630087)

Baylor Genetics
Classification: Uncertain significance for Global developmental delay - lung cysts - overgrowth - Wilms tumor syndrome. Last evaluated: 2023-08-21. Review status: criteria provided, single submitter. Criteria: ACMG Guidelines, 2015. Collection method: clinical testing. Allele origin: unknown. Not counted in ClinVar's aggregate classification.

Literature cited by the submitters: PubMed 33630087 (cited by Ambry Genetics and Quest Diagnostics Nichols Institute San Juan Capistrano); PubMed 39001563 (cited by Quest Diagnostics Nichols Institute San Juan Capistrano); PubMed 38084291 (cited by Quest Diagnostics Nichols Institute San Juan Capistrano).